The following is an entry in ClinVar:

NM_004444.5(EPHB4):c.1588+8T>C

Gene: EPHB4 (EPH receptor B4; minus strand). Cytogenetic location: 7q22.1.
Variant type: single nucleotide variant.
Coding change: c.1588+8T>C on transcript NM_004444.5 (MANE Select); 8 bases into the intron after coding-DNA position 1588, T replaced by C.
Molecular consequence: intron variant.
Genome position (GRCh38, 1-based): chr7:100,817,184, A>G on the plus strand (T>C on the coding strand, the complement: EPHB4 is on the minus strand). VCF-style: chr7-100817184-A-G. GRCh37 (hg19) VCF-style: chr7-100414806-A-G.
Identifiers: ClinVar variation 3057301 (VCV003057301.18), dbSNP rs201451933, ClinGen allele CA4392934.

ClinVar aggregate classification (germline): Likely benign. Review status: criteria provided, single submitter (1 of 4 stars). 2 submissions from 2 submitters: Likely benign (1). 1 of the submissions does not count toward it. Last evaluated 2024-07-01.

Conditions:
EPHB4-related disorder. Also called: EPHB4-related disorders; EPHB4-related condition.

Allele frequency attached by ClinVar (database versions not stated): gnomAD 0.00005; TOPMed 0.00008; ExAC 0.00012; ESP Exome Variant Server 0.00015.
gnomAD v4.1: 150 of 1,516,658 alleles (0.0099%); highest among the groups gnomAD compares: Non-Finnish European, 0.0071%; no homozygotes.

Submissions (2):

CeGaT Center for Human Genetics Tuebingen
Classification: Likely benign. Last evaluated: 2024-07-01. Review status: criteria provided, single submitter. Criteria: CeGaT Center For Human Genetics Tuebingen Variant Classification Criteria Version 2. Collection method: clinical testing. Allele origin: germline. Affected: yes. Observed: 1 variant allele.
Comment: EPHB4: BP4, BS1

PreventionGenetics, part of Exact Sciences
Classification: Likely benign for EPHB4-related condition. Last evaluated: 2019-03-06. Review status: no assertion criteria provided. Collection method: clinical testing. Allele origin: germline. Not counted in ClinVar's aggregate classification.
Comment: This variant is classified as likely benign based on ACMG/AMP sequence variant interpretation guidelines (Richards et al. 2015 PMID: 25741868, with internal and published modifications).